The following is an entry in ClinVar:

NM_015557.3(CHD5):c.4324C>G (p.Pro1442Ala)

Gene: CHD5 (chromodomain helicase DNA binding protein 5; minus strand). Cytogenetic location: 1p36.31.
Variant type: single nucleotide variant.
Coding change: c.4324C>G on transcript NM_015557.3 (MANE Select); coding-DNA position 4324, C replaced by G.
Protein change: p.Pro1442Ala; replaces proline 1442 with alanine.
Molecular consequence: missense variant.
Genome position (GRCh38, 1-based): chr1:6,125,170, G>C on the plus strand (C>G on the coding strand, the complement: CHD5 is on the minus strand). VCF-style: chr1-6125170-G-C. GRCh37 (hg19) VCF-style: chr1-6185230-G-C.
Other names: short protein forms P1442A.
Identifiers: ClinVar variation 3364517 (VCV003364517.1).

ClinVar aggregate classification (germline): Uncertain significance (1 of 4 stars; one submission).

Submission:

GeneDx
Classification: Uncertain significance. Last evaluated: 2023-11-15. Review status: criteria provided, single submitter. Criteria: GeneDx Variant Classification Process June 2021. Collection method: clinical testing. Allele origin: germline. Affected: yes.
Comment: Not observed at significant frequency in large population cohorts (gnomAD); In silico analysis supports that this missense variant has a deleterious effect on protein structure/function; Has not been previously published as pathogenic or benign to our knowledge